The following is an entry in ClinVar:

ClinVar aggregate classification (germline): Pathogenic (1 of 4 stars; one submission).

Conditions:
Cardiac anomalies - developmental delay - facial dysmorphism syndrome (MRFACD). Also called: MED13L Syndrome; Impaired intellectual development and distinctive facial features with or without cardiac defects. Identifiers: Orphanet 369891, MedGen C5192431, MONDO:0014773, OMIM 616789.

Submission:

Variantyx, Inc.
Classification: Pathogenic for Cardiac anomalies - developmental delay - facial dysmorphism syndrome. Last evaluated: 2025-10-23. Review status: criteria provided, single submitter. Criteria: Variantyx Assertion Criteria 2022. Collection method: clinical testing. Allele origin: de novo. Inheritance: Autosomal dominant inheritance. Affected: yes.
Comment: This is a frameshift variant in the MED13L gene (OMIM: 608771). Pathogenic variants in this gene have been associated with autosomal dominant impaired intellectual development and distinctive facial features with or without cardiac defects. Thise alteration introduces a premature termination codon in exon 17 out of 31 and is expected to result in loss of function, which is a known disease mechanism for MED13L in this disorder (PMID: 25712080, 23403903) (PVS1). This variant is absent from control populations (PM2). This variant has not been reported in individuals with MED13L-related disorders in the databases available for review. Based on the current evidence, this variant is classified as pathogenic for autosomal dominant impaired intellectual development and distinctive facial features with or without cardiac defects.

Literature cited by the submitters: PubMed 24781760; PubMed 25712080; PubMed 25106414.

NM_015335.5(MED13L):c.3246_3256del (p.Ala1083fs)

Gene: MED13L (mediator complex subunit 13L; minus strand). Cytogenetic location: 12q24.21.
Variant type: Deletion.
Coding change: c.3246_3256del on transcript NM_015335.5 (MANE Select); coding-DNA positions 3246 to 3256, 11 bases deleted (AGCCTCCACCC).
Protein change: p.Ala1083fs; shifts the reading frame from alanine 1083.
Molecular consequence: frameshift variant.
Genome position (GRCh38, 1-based): chr12:115,991,698-115,991,708, GGGTGGAGGCT deleted on the plus strand (AGCCTCCACCC on the coding strand, the reverse complement: MED13L is on the minus strand); deleting any 11 consecutive bases within chr12:115,991,698-115,991,710 gives the same sequence; the c. name uses the placement nearest the transcript's 3' end. VCF-style (leftmost placement, unchanged base first): chr12-115991697-GGGGTGGAGGCT-G. GRCh37 (hg19) VCF-style: chr12-116429502-GGGGTGGAGGCT-G.
Other names: short protein forms A1083fs.
Identifiers: ClinVar variation 4850198 (VCV004850198.1).